The following is an entry in ClinVar:

NM_004924.6(ACTN4):c.1611G>A (p.Ala537=)

Gene: ACTN4 (actinin alpha 4; plus strand). Cytogenetic location: 19q13.2.
Variant type: single nucleotide variant.
Coding change: c.1611G>A on transcript NM_004924.6 (MANE Select); coding-DNA position 1611, G replaced by A.
Protein change: p.Ala537=; no amino-acid change (alanine 537 retained).
Molecular consequence: synonymous variant.
Genome position (GRCh38, 1-based): chr19:38,723,996, G>A. VCF-style: chr19-38723996-G-A. GRCh37 (hg19) VCF-style: chr19-39214636-G-A.
Other names: p.Ala537=; c.1611G>A, p.Ala537= (NM_001322033.2).
Identifiers: ClinVar variation 259568 (VCV000259568.29), dbSNP rs150183570, ClinGen allele CA9417729.

ClinVar aggregate classification (germline): Benign/Likely benign. Review status: criteria provided, multiple submitters, no conflicts (2 of 4 stars). 10 submissions from 10 submitters: Benign (6); Likely benign (4). Last evaluated 2026-01-06.

Conditions:
Focal segmental glomerulosclerosis 1 (FSGS1). Identifiers: Orphanet 656, MedGen C4551527, MONDO:0011303, OMIM 603278.
Focal segmental glomerulosclerosis (FSGS). Also called: Glomerulosclerosis, focal; Focal sclerosis with hyalinosis. Identifiers: MedGen C0017668, MONDO:0100313, HP:0000097. Disease mechanism: loss of function.

Allele frequency attached by ClinVar (database versions not stated): gnomAD 0.00470 and 0.00498; TOPMed 0.00552; ESP Exome Variant Server 0.00577; 1000 Genomes Project 0.00579; 1000 Genomes Project 30x 0.00593; gnomAD exomes 0.00063 and 0.00156; ExAC 0.00172.
gnomAD v4.1: 1,672 of 1,613,680 alleles (0.1%); highest among the groups gnomAD compares: African/African-American, 1.5%; 9 homozygotes.

Submissions (10):

Labcorp Genetics (formerly Invitae), Labcorp
Classification: Benign. Last evaluated: 2026-01-06. Review status: criteria provided, single submitter. Criteria: Invitae Variant Classification Sherloc (09022015). Collection method: clinical testing. Allele origin: germline.

CeGaT Center for Human Genetics Tuebingen
Classification: Likely benign. Last evaluated: 2025-11-01. Review status: criteria provided, single submitter. Criteria: CeGaT Center For Human Genetics Tuebingen Variant Classification Criteria Version 2. Collection method: clinical testing. Allele origin: germline. Affected: yes. Observed: 2 variant alleles.
Comment: ACTN4: BP4, BP7, BS1

Blueprint Genetics
Classification: Likely benign. Last evaluated: 2024-11-27. Review status: criteria provided, single submitter. Criteria: ACMG Guidelines, 2015. Collection method: clinical testing. Allele origin: germline.

Mayo Clinic Laboratories, Mayo Clinic
Classification: Benign. Last evaluated: 2024-08-13. Review status: criteria provided, single submitter. Criteria: ACMG Guidelines, 2015. Collection method: clinical testing. Allele origin: germline. Observed: 2 variant alleles.
Comment: BS1, BS2, BP4, BP7

Genome-Nilou Lab
Classification: Benign for Focal segmental glomerulosclerosis 1. Last evaluated: 2021-12-05. Review status: criteria provided, single submitter. Criteria: ACMG Guidelines, 2015. Collection method: clinical testing. Allele origin: germline. Affected: no.

Fulgent Genetics
Classification: Benign for Focal segmental glomerulosclerosis 1. Last evaluated: 2021-07-16. Review status: criteria provided, single submitter. Criteria: ACMG Guidelines, 2015. Collection method: clinical testing. Allele origin: unknown.

GeneDx
Classification: Likely benign. Last evaluated: 2021-02-07. Review status: criteria provided, single submitter. Criteria: GeneDx Variant Classification Process June 2021. Collection method: clinical testing. Allele origin: germline. Affected: yes.

Genome Diagnostics Laboratory, The Hospital for Sick Children
Classification: Benign for Focal segmental glomerulosclerosis. Last evaluated: 2020-03-01. Review status: criteria provided, single submitter. Criteria: ACMG Guidelines, 2015. Collection method: clinical testing. Allele origin: germline.

Breakthrough Genomics
Classification: Likely benign. Review status: criteria provided, single submitter. Criteria: ACMG Guidelines, 2015. Collection method: not provided. Allele origin: germline. Inheritance: Autosomal dominant inheritance. Affected: yes.

PreventionGenetics, part of Exact Sciences
Classification: Benign. Review status: criteria provided, single submitter. Criteria: ACMG Guidelines, 2015. Collection method: clinical testing. Allele origin: germline.